The following is an entry in ClinVar:

NM_004655.4(AXIN2):c.699G>A (p.Glu233=)

Gene: AXIN2 (axin 2; minus strand). Cytogenetic location: 17q24.1.
Variant type: single nucleotide variant.
Coding change: c.699G>A on transcript NM_004655.4 (MANE Select); coding-DNA position 699, G replaced by A.
Protein change: p.Glu233=; no amino-acid change (glutamic acid 233 retained).
Molecular consequence: synonymous variant.
Genome position (GRCh38, 1-based): chr17:65,557,922, C>T on the plus strand (G>A on the coding strand, the complement: AXIN2 is on the minus strand). VCF-style: chr17-65557922-C-T. GRCh37 (hg19) VCF-style: chr17-63554040-C-T.
Other names: c.699G>A, p.Glu233= (NM_001363813.1); c.699G>A (LRG_296t1).
Identifiers: ClinVar variation 533246 (VCV000533246.12), dbSNP rs1212787166, ClinGen allele CA501691388.

ClinVar aggregate classification (germline): Benign/Likely benign. Review status: criteria provided, multiple submitters, no conflicts (2 of 4 stars). 3 submissions from 3 submitters: Benign (1); Likely benign (2). Last evaluated 2025-10-09.

Conditions:
Hereditary cancer-predisposing syndrome. Also called: Hereditary neoplastic syndrome; Neoplastic Syndromes, Hereditary; Tumor predisposition; Hereditary Cancer Syndrome. Identifiers: Orphanet 140162, MedGen C0027672, MeSH D009386, MONDO:0015356.
Oligodontia-cancer predisposition syndrome. Also called: TOOTH AGENESIS-COLORECTAL CANCER SYNDROME. Identifiers: Orphanet 300576, MedGen C1837750, MONDO:0012075, OMIM 608615. Disease mechanism: loss of function.

Allele frequency attached by ClinVar (database versions not stated): gnomAD exomes below 0.00001; gnomAD 0.00001; TOPMed 0.00001.
gnomAD v4.1: 3 of 1,614,136 alleles (0.00019%); highest among the groups gnomAD compares: African/African-American, 0.004%; no homozygotes.

Submissions (3):

Labcorp Genetics (formerly Invitae), Labcorp
Classification: Likely benign for Oligodontia-cancer predisposition syndrome. Last evaluated: 2025-10-09. Review status: criteria provided, single submitter. Criteria: Invitae Variant Classification Sherloc (09022015). Collection method: clinical testing. Allele origin: germline.

Myriad Genetics, Inc.
Classification: Benign for Oligodontia-cancer predisposition syndrome. Last evaluated: 2024-06-27. Review status: criteria provided, single submitter. Criteria: Myriad Autosomal Dominant, Autosomal Recessive and X-Linked Classification Criteria (2023). Collection method: clinical testing. Allele origin: unknown.
Comment: This variant is considered benign. This variant is a silent/synonymous amino acid change and it is not expected to impact splicing.

Ambry Genetics
Classification: Likely benign for Hereditary cancer-predisposing syndrome. Last evaluated: 2020-03-28. Review status: criteria provided, single submitter. Criteria: Ambry Variant Classification Scheme 2023. Collection method: clinical testing. Allele origin: germline.